The following is an entry in ClinVar:

ClinVar aggregate classification (germline): Uncertain significance (1 of 4 stars; one submission).

Conditions:
3-methylglutaconic aciduria, type VIIB (MGCA7B). Also called: CLPB Deficiency; 3-methylglutaconic aciduria with cataracts, neurologic involvement and neutropenia; 3-methylglutaconic aciduria, type VII, with cataracts, neurologic involvement and neutropenia. Identifiers: Orphanet 445038, MedGen C5676893, MONDO:0014561, OMIM 616271.

gnomAD v4.1: 1 of 1,614,138 alleles (0.000062%); highest among the groups gnomAD compares: Non-Finnish European, 0.000085%; no homozygotes.

Submission:

Labcorp Genetics (formerly Invitae), Labcorp
Classification: Uncertain significance for 3-methylglutaconic aciduria, type VIIB. Last evaluated: 2025-05-07. Review status: criteria provided, single submitter. Criteria: Invitae Variant Classification Sherloc (09022015). Collection method: clinical testing. Allele origin: germline.
Comment: This sequence change replaces isoleucine, which is neutral and non-polar, with methionine, which is neutral and non-polar, at codon 536 of the CLPB protein (p.Ile536Met). This variant is present in population databases (rs771153380, gnomAD 0.002%). This variant has not been reported in the literature in individuals affected with CLPB-related conditions. An algorithm developed to predict the effect of missense changes on protein structure and function (PolyPhen-2) suggests that this variant is likely to be disruptive. In summary, the available evidence is currently insufficient to determine the role of this variant in disease. Therefore, it has been classified as a Variant of Uncertain Significance.

NM_001258392.3(CLPB):c.1518C>G (p.Ile506Met)

Gene: CLPB (ClpB family mitochondrial disaggregase; minus strand). Cytogenetic location: 11q13.4.
Variant type: single nucleotide variant.
Coding change: c.1518C>G on transcript NM_001258392.3 (MANE Select); coding-DNA position 1518, C replaced by G.
Protein change: p.Ile506Met; replaces isoleucine 506 with methionine.
Molecular consequence: missense variant.
Genome position (GRCh38, 1-based): chr11:72,294,662, G>C on the plus strand (C>G on the coding strand, the complement: CLPB is on the minus strand). VCF-style: chr11-72294662-G-C. GRCh37 (hg19) VCF-style: chr11-72005706-G-C.
Other names: c.1431C>G, p.Ile477Met (NM_001258393.3); c.1473C>G, p.Ile491Met (NM_001258394.3); c.1608C>G, p.Ile536Met (NM_030813.6); short protein forms I491M, I506M, I536M, I477M.
Identifiers: ClinVar variation 4773474 (VCV004773474.1).